The following is an entry in ClinVar:

NM_000059.4(BRCA2):c.5270_5273del (p.Tyr1757fs)

Gene: BRCA2 (BRCA2 DNA repair associated; plus strand). Cytogenetic location: 13q13.1.
Variant type: Deletion.
Coding change: c.5270_5273del on transcript NM_000059.4 (MANE Select); coding-DNA positions 5270 to 5273, 4 bases deleted (ATAA; older notation c.5270_5273delATAA).
Protein change: p.Tyr1757fs; shifts the reading frame from tyrosine 1757.
Molecular consequence: frameshift variant.
Genome position (GRCh38, 1-based): chr13:32,339,625-32,339,628, ATAA deleted. VCF-style (leftmost placement, unchanged base first): chr13-32339624-TATAA-T. GRCh37 (hg19) VCF-style: chr13-32913761-TATAA-T.
Other names: 5498_5501delATAA; short protein forms Y1757fs.
Identifiers: ClinVar variation 266868 (VCV000266868.7), dbSNP rs886040585, ClinGen allele CA10589305.

ClinVar aggregate classification (germline): Pathogenic. Review status: reviewed by expert panel (3 of 4 stars). 2 submissions from 2 submitters: Pathogenic (1). 1 of the submissions does not count toward it. Last evaluated 2016-10-18.

Conditions:
Breast-ovarian cancer, familial, susceptibility to, 2 (BROVCA2). Also called: BRCA2 Hereditary Breast and Ovarian Cancer. Identifiers: Orphanet 145, MedGen C2675520, MONDO:0012933, OMIM 612555. Disease mechanism: loss of function.

Submissions (2):

Evidence-based Network for the Interpretation of Germline Mutant Alleles (ENIGMA)
Classification: Pathogenic for Breast-ovarian cancer, familial, susceptibility to, 2. Last evaluated: 2016-10-18. Review status: reviewed by expert panel. Criteria: ENIGMA BRCA1/2 Classification Criteria (2015). Collection method: curation. Allele origin: germline.
Comment: Variant allele predicted to encode a truncated non-functional protein.

Consortium of Investigators of Modifiers of BRCA1/2 (CIMBA), c/o University of Cambridge
Classification: Pathogenic for Breast-ovarian cancer, familial, susceptibility to, 2. Last evaluated: 2015-10-02. Review status: criteria provided, single submitter. Criteria: CIMBA Mutation Classification guidelines May 2016. Collection method: clinical testing. Allele origin: germline. Not counted in ClinVar's aggregate classification.